The following is an entry in ClinVar:

ClinVar aggregate classification (germline): Likely pathogenic (1 of 4 stars; one submission).

Conditions:
Deficiency of UDPglucose-hexose-1-phosphate uridylyltransferase. Also called: GALACTOSE-1-PHOSPHATE URIDYLYLTRANSFERASE DEFICIENCY; Transferase Deficiency Galactosemia; GALACTOSEMIA I; GALT deficiency; Galactosemia, classic. Identifiers: Orphanet 352, Orphanet 79239, MedGen C0268151, MONDO:0009258, OMIM 230400.

Submission:

Myriad Genetics, Inc.
Classification: Likely pathogenic for Deficiency of UDPglucose-hexose-1-phosphate uridylyltransferase. Last evaluated: 2021-12-30. Review status: criteria provided, single submitter. Criteria: Myriad Women's Health Autosomal Recessive and X-Linked Classification Criteria (2021). Collection method: clinical testing. Allele origin: unknown.
Comment: NM_000155.3(GALT):c.412delA(T138Rfs*40) is expected to be pathogenic in the context of galactosemia. This variant is predicted to lead to an abnormal or absent protein product due to the creation of a premature termination codon in GALT, a gene where loss-of-function variants are known to be pathogenic. Please note: this variant was assessed in the context of healthy population screening.

NM_000155.4(GALT):c.412del (p.Thr138fs)

Gene: GALT (galactose-1-phosphate uridylyltransferase; plus strand). Cytogenetic location: 9p13.3.
Variant type: Deletion.
Coding change: c.412del on transcript NM_000155.4 (MANE Select); coding-DNA position 412, one base deleted (A; older notation c.412delA).
Protein change: p.Thr138fs; shifts the reading frame from threonine 138.
Molecular consequence: frameshift variant.
Genome position (GRCh38, 1-based): chr9:34,647,866, A deleted; the last of 2 consecutive A bases (chr9:34,647,865-34,647,866); deleting either gives the same sequence. VCF-style (leftmost placement, unchanged base first): chr9-34647864-TA-T. GRCh37 (hg19) VCF-style: chr9-34647861-TA-T.
Other names: c.85del, p.Thr29fs (NM_001258332.2); short protein forms T138fs, T29fs.
Identifiers: ClinVar variation 1726650 (VCV001726650.2), dbSNP rs2492866246, ClinGen allele CA2580080383.